The following is an entry in ClinVar:

ClinVar aggregate classification (germline): Uncertain significance (1 of 4 stars; one submission).

gnomAD v4.1: 19 of 1,612,974 alleles (0.0012%); highest among the groups gnomAD compares: East Asian, 0.0022%; no homozygotes.

Submission:

Ambry Genetics
Classification: Uncertain significance. Last evaluated: 2026-02-17. Review status: criteria provided, single submitter. Criteria: Ambry Variant Classification Scheme 2023. Collection method: clinical testing. Allele origin: germline.
Comment: The c.443G>A (p.R148Q) alteration is located in exon 6 (coding exon 6) of the UBE2G2 gene. This alteration results from a G to A substitution at nucleotide position 443, causing the arginine (R) at amino acid position 148 to be replaced by a glutamine (Q). Based on data from gnomAD, the A allele has an overall frequency of <0.001% (1/250662) total alleles studied. The highest observed frequency was 0.005% (1/18390) of East Asian alleles. Based on insufficient or conflicting evidence, the clinical significance of this alteration remains unclear.

NM_003343.6(UBE2G2):c.443G>A (p.Arg148Gln)

Gene: UBE2G2 (ubiquitin conjugating enzyme E2 G2; minus strand). Cytogenetic location: 21q22.3.
Variant type: single nucleotide variant.
Coding change: c.443G>A on transcript NM_003343.6 (MANE Select); coding-DNA position 443, G replaced by A.
Protein change: p.Arg148Gln; replaces arginine 148 with glutamine.
Molecular consequence: missense variant.
Genome position (GRCh38, 1-based): chr21:44,771,432, C>T on the plus strand (G>A on the coding strand, the complement: UBE2G2 is on the minus strand). VCF-style: chr21-44771432-C-T. GRCh37 (hg19) VCF-style: chr21-46191347-C-T.
Other names: c.233G>A, p.Arg78Gln (NM_001202489.2); c.359G>A, p.Arg120Gln (NM_182688.3); short protein forms R120Q, R148Q, R78Q.
Identifiers: ClinVar variation 4832101 (VCV004832101.1).